The following is an entry in ClinVar:

ClinVar aggregate classification (germline): Likely benign. Review status: criteria provided, multiple submitters, no conflicts (2 of 4 stars). 3 submissions from 3 submitters: Likely benign (2). 1 of the submissions does not count toward it. Last evaluated 2025-03-29.

Conditions:
Polycystic kidney disease. Also called: Kidney, Polycystic; Polycystic kidney dysplasia. Identifiers: MedGen C0022680, MeSH D007690, MONDO:0020642, HP:0000113.

Allele frequency attached by ClinVar (database versions not stated): gnomAD exomes 0.00016 and 0.00068; gnomAD 0.00027 and 0.00042; TOPMed 0.00034; ExAC 0.00047; 1000 Genomes Project 30x 0.00203; 1000 Genomes Project 0.00260.
gnomAD v4.1: 313 of 1,596,296 alleles (0.02%); highest among the groups gnomAD compares: East Asian, 0.62%; 2 homozygotes.

Submissions (3):

Mayo Clinic Laboratories, Mayo Clinic
Classification: Likely benign. Last evaluated: 2025-03-29. Review status: criteria provided, single submitter. Criteria: ACMG Guidelines, 2015. Collection method: clinical testing. Allele origin: germline. Observed: 2 variant alleles.
Comment: BS1, BP2, BP4

Blueprint Genetics
Classification: Likely benign. Last evaluated: 2024-10-02. Review status: criteria provided, single submitter. Criteria: ACMG Guidelines, 2015. Collection method: clinical testing. Allele origin: germline.

Department of Pathology and Laboratory Medicine, Sinai Health System
Classification: Benign for Polycystic Kidney disease. Review status: no assertion criteria provided. Collection method: clinical testing. Allele origin: unknown. Affected: yes. Study: The Canadian Open Genetics Repository (COGR). Not counted in ClinVar's aggregate classification.
Comment: The PKD1 p.Ser843Pro variant was identified in the literature however the frequency of this variant in an affected population was not provided (Kinoshita_2016_27835667, Yu_2011_22185115). The variant was also identified in dbSNP (ID: rs181738771) as â€šÃ„ÃºNAâ€šÃ„Ã¹, and the ADPKD Mutation Database (classified as likely neutral by Athena Diagnostics). The variant was not identified in the ClinVar, Clinvitae, GeneInsight-COGR, LOVD 3.0, or PKD1-LOVD databases. The variant was identified in control databases in 164 of 256428 chromosomes (2 homozygous) at a frequency of 0.0006 increasing the likelihood this could be a low frequency benign variant (Genome Aggregation Database Feb 27, 2017). Breakdown of the observations by population include Other in 3 of 6142 chromosomes (freq: 0.0005), East Asian in 160 of 18476 chromosomes (freq: 0.009), and South Asian in 1 of 30374 chromosomes (freq: 0.00003), while the variant was not observed in the African, Latino, European Non-Finnish, Ashkenazi Jewish, or European Finnish populations. In addition we cannot be certain that data from control databases is specific to PKD1 and not from one of the six PKD1 pseudogenes. The p.Ser843 residue is not conserved in mammals and computational analyses (PolyPhen-2, SIFT, AlignGVGD, BLOSUM, MutationTaster) provide inconsistent predictions regarding the impact to the protein; this information is not very predictive of pathogenicity. The variant occurs outside of the splicing consensus sequence and 1 of 5 in silico or computational prediction software programs (SpliceSiteFinder, MaxEntScan, NNSPLICE, GeneSplicer, HumanSpliceFinder) predict a greater than 10% difference in splicing; this is not very predictive of pathogenicity. In summary, based on the above information this variant meets our laboratory criteria to be classified as benign.

Literature cited by the submitters: PubMed 34739738 (cited by Mayo Clinic Laboratories, Mayo Clinic).

NM_001009944.3(PKD1):c.2527T>C (p.Ser843Pro)

Gene: PKD1 (polycystin 1, transient receptor potential channel interacting; minus strand). Cytogenetic location: 16p13.3.
Variant type: single nucleotide variant.
Coding change: c.2527T>C on transcript NM_001009944.3 (MANE Select); coding-DNA position 2527, T replaced by C.
Protein change: p.Ser843Pro; replaces serine 843 with proline.
Molecular consequence: missense variant.
Genome position (GRCh38, 1-based): chr16:2,114,496, A>G on the plus strand (T>C on the coding strand, the complement: PKD1 is on the minus strand). VCF-style: chr16-2114496-A-G. GRCh37 (hg19) VCF-style: chr16-2164497-A-G.
Other names: p.Ser843Pro; c.2527T>C, p.Ser843Pro (NM_000296.4); short protein forms S843P.
Identifiers: ClinVar variation 997278 (VCV000997278.3), dbSNP rs181738771, ClinGen allele CA7833178.